The following is an entry in ClinVar:

NM_201550.4(LRRC10):c.710T>C (p.Val237Ala)

Gene: LRRC10 (leucine rich repeat containing 10; minus strand). Cytogenetic location: 12q15.
Variant type: single nucleotide variant.
Coding change: c.710T>C on transcript NM_201550.4 (MANE Select); coding-DNA position 710, T replaced by C.
Protein change: p.Val237Ala; replaces valine 237 with alanine.
Molecular consequence: missense variant.
Genome position (GRCh38, 1-based): chr12:69,610,129, A>G on the plus strand (T>C on the coding strand, the complement: LRRC10 is on the minus strand). VCF-style: chr12-69610129-A-G. GRCh37 (hg19) VCF-style: chr12-70003909-A-G.
Other names: short protein forms V237A.
Identifiers: ClinVar variation 2094511 (VCV002094511.4), dbSNP rs2499032185, ClinGen allele CA385735532.

ClinVar aggregate classification (germline): Uncertain significance (1 of 4 stars; one submission).

Submission:

Labcorp Genetics (formerly Invitae), Labcorp
Classification: Uncertain significance. Last evaluated: 2022-02-08. Review status: criteria provided, single submitter. Criteria: Invitae Variant Classification Sherloc (09022015). Collection method: clinical testing. Allele origin: germline.
Comment: In summary, the available evidence is currently insufficient to determine the role of this variant in disease. Therefore, it has been classified as a Variant of Uncertain Significance. Algorithms developed to predict the effect of missense changes on protein structure and function are either unavailable or do not agree on the potential impact of this missense change (SIFT: "Tolerated"; PolyPhen-2: "Probably Damaging"; Align-GVGD: "Class C0"). This variant has not been reported in the literature in individuals affected with LRRC10-related conditions. This variant is not present in population databases (gnomAD no frequency). This sequence change replaces valine, which is neutral and non-polar, with alanine, which is neutral and non-polar, at codon 237 of the LRRC10 protein (p.Val237Ala).